The following is an entry in ClinVar:

NM_006415.4(SPTLC1):c.1214G>C (p.Arg405Pro)

Gene: SPTLC1 (serine palmitoyltransferase long chain base subunit 1; minus strand). Cytogenetic location: 9q22.31.
Variant type: single nucleotide variant.
Coding change: c.1214G>C on transcript NM_006415.4 (MANE Select); coding-DNA position 1214, G replaced by C.
Protein change: p.Arg405Pro; replaces arginine 405 with proline.
Molecular consequence: missense variant.
Genome position (GRCh38, 1-based): chr9:92,038,288, C>G on the plus strand (G>C on the coding strand, the complement: SPTLC1 is on the minus strand). VCF-style: chr9-92038288-C-G. GRCh37 (hg19) VCF-style: chr9-94800570-C-G.
Other names: c.1214G>C, p.Arg405Pro (NM_001281303.2); c.848G>C, p.Arg283Pro (NM_001368272.1); c.749G>C, p.Arg250Pro (NM_001368273.1); short protein forms R250P, R283P, R405P.
Identifiers: ClinVar variation 3897028 (VCV003897028.1).
Genomic context (GRCh38, chr9:92,038,288, plus strand): 5'-TCAAGTCAACGGATACTTACTTGATCTACAATTTCCTGAAGCAGTCTGACATCTTGCTCG[C>G]GAGACCCAGTGCTCTCTTCCAGTTGTAGGTGAAAGGCTGGAGAAAGGGACTCCCCCACCA-3'
Protein context (NP_006406.1, residues 395-415): HLQLEESTGS[Arg405Pro]EQDVRLLQEI

ClinVar aggregate classification (germline): Uncertain significance (1 of 4 stars; one submission).

Conditions:
Neuropathy, hereditary sensory and autonomic, type 1A (HSAN1A). Also called: NEUROPATHY, HEREDITARY SENSORY AND AUTONOMIC, TYPE IA; SPTLC1-Related Hereditary Sensory Neuropathy; HSAN IA; HSN IA; NEUROPATHY, HEREDITARY SENSORY RADICULAR, AUTOSOMAL DOMINANT, TYPE 1A. Identifiers: MedGen C5235211, MONDO:0008086, OMIM 162400.

Submission:

Kariminejad - Najmabadi Pathology & Genetics Center
Classification: Uncertain significance for Neuropathy, hereditary sensory and autonomic, type 1A. Last evaluated: 2020-03-09. Review status: criteria provided, single submitter. Criteria: ACMG Guidelines, 2015. Collection method: clinical testing. Allele origin: germline. Inheritance: Autosomal dominant inheritance. Affected: yes.
Comment: PM2, PP2, PP3